The following is an entry in ClinVar:

ClinVar aggregate classification (germline): Uncertain significance (1 of 4 stars; one submission).

gnomAD v4.1: 1 of 1,206,435 alleles (0.000083%); highest among the groups gnomAD compares: Admixed American, 0.0022%; no homozygotes.

Submission:

Women's Health and Genetics/Laboratory Corporation of America, LabCorp
Classification: Uncertain significance. Last evaluated: 2023-10-16. Review status: criteria provided, single submitter. Criteria: LabCorp Variant Classification Summary - May 2015. Collection method: clinical testing. Allele origin: germline.
Comment: Variant summary: CHM c.217C>G (p.Pro73Ala) results in a non-conservative amino acid change in the encoded protein sequence. Four of five in-silico tools predict a benign effect of the variant on protein function. The variant allele was found at a frequency of 5.5e-06 in 182817 control chromosomes (gnomAD). The available data on variant occurrences in the general population are insufficient to allow any conclusion about variant significance. To our knowledge, no occurrence of c.217C>G in individuals affected with Choroideremia and no experimental evidence demonstrating its impact on protein function have been reported. No submitters have cited clinical-significance assessments for this variant to ClinVar after 2014. Based on the evidence outlined above, the variant was classified as uncertain significance.

NM_000390.4(CHM):c.217C>G (p.Pro73Ala)

Gene: CHM (CHM Rab escort protein; minus strand). Cytogenetic location: Xq21.2.
Variant type: single nucleotide variant.
Coding change: c.217C>G on transcript NM_000390.4 (MANE Select); coding-DNA position 217, C replaced by G.
Protein change: p.Pro73Ala; replaces proline 73 with alanine.
Molecular consequence: missense variant. On other transcripts: 5 prime UTR variant (4).
Genome position (GRCh38, 1-based): chrX:85,978,864, G>C on the plus strand (C>G on the coding strand, the complement: CHM is on the minus strand). VCF-style: chrX-85978864-G-C. GRCh37 (hg19) VCF-style: chrX-85233868-G-C.
Other names: c.217C>G, p.Pro73Ala (NM_001145414.4); c.-228C>G (NM_001320959.1, NM_001362517.1); c.-224C>G (NM_001362518.2, NM_001362519.1); short protein forms P73A.
Identifiers: ClinVar variation 2637739 (VCV002637739.1), dbSNP rs775421659, ClinGen allele CA413788123.